The following is an entry in ClinVar:

ClinVar aggregate classification (germline): Benign/Likely benign. Review status: criteria provided, multiple submitters, no conflicts (2 of 4 stars). 6 submissions from 6 submitters: Benign (1); Likely benign (5). Last evaluated 2026-01-07.

Conditions:
Hereditary cancer-predisposing syndrome. Also called: Tumor predisposition; Hereditary Cancer Syndrome; Hereditary neoplastic syndrome; Neoplastic Syndromes, Hereditary. Identifiers: Orphanet 140162, MedGen C0027672, MeSH D009386, MONDO:0015356.
Familial cancer of breast. Also called: BREAST CANCER, FAMILIAL; Hereditary breast cancer; hereditary breast carcinoma. Identifiers: Orphanet 227535, MedGen C0346153, MONDO:0016419, OMIM 114480. Disease mechanism: loss of function.

Allele frequency attached by ClinVar (database versions not stated): gnomAD exomes below 0.00001 and 0.00001; ExAC 0.00002; gnomAD 0.00002; TOPMed 0.00004; ESP Exome Variant Server 0.00015.
gnomAD v4.1: 8 of 1,614,088 alleles (0.0005%); highest among the groups gnomAD compares: African/African-American, 0.0093%; no homozygotes.

Submissions (6):

Labcorp Genetics (formerly Invitae), Labcorp
Classification: Likely benign for Familial cancer of breast. Last evaluated: 2026-01-07. Review status: criteria provided, single submitter. Criteria: Invitae Variant Classification Sherloc (09022015). Collection method: clinical testing. Allele origin: germline.

Myriad Genetics, Inc.
Classification: Benign for Familial cancer of breast. Last evaluated: 2025-01-15. Review status: criteria provided, single submitter. Criteria: Myriad Autosomal Dominant, Autosomal Recessive and X-Linked Classification Criteria (2023). Collection method: clinical testing. Allele origin: unknown.
Comment: This variant is considered benign. This variant is a silent/synonymous amino acid change and it is not expected to impact splicing.

Color Diagnostics, LLC DBA Color Health
Classification: Likely benign for Hereditary cancer-predisposing syndrome. Last evaluated: 2024-06-13. Review status: criteria provided, single submitter. Criteria: ACMG Guidelines, 2015. Collection method: clinical testing. Allele origin: germline.

Sema4
Classification: Likely benign for Hereditary cancer-predisposing syndrome. Last evaluated: 2021-11-22. Review status: criteria provided, single submitter. Criteria: Sema4 Curation Guidelines. Collection method: curation. Allele origin: germline.

GeneDx
Classification: Likely benign. Last evaluated: 2020-03-23. Review status: criteria provided, single submitter. Criteria: GeneDx Variant Classification Process June 2021. Collection method: clinical testing. Allele origin: germline. Affected: yes.

Ambry Genetics
Classification: Likely benign for Hereditary cancer-predisposing syndrome. Last evaluated: 2014-12-30. Review status: criteria provided, single submitter. Criteria: Ambry Variant Classification Scheme 2023. Collection method: clinical testing. Allele origin: germline.

NM_024675.4(PALB2):c.2253T>C (p.Ala751=)

Gene: PALB2 (partner and localizer of BRCA2; minus strand). Cytogenetic location: 16p12.2.
Variant type: single nucleotide variant.
Coding change: c.2253T>C on transcript NM_024675.4 (MANE Select); coding-DNA position 2253, T replaced by C.
Protein change: p.Ala751=; no amino-acid change (alanine 751 retained).
Molecular consequence: synonymous variant.
Genome position (GRCh38, 1-based): chr16:23,629,901, A>G on the plus strand (T>C on the coding strand, the complement: PALB2 is on the minus strand). VCF-style: chr16-23629901-A-G. GRCh37 (hg19) VCF-style: chr16-23641222-A-G.
Identifiers: ClinVar variation 183792 (VCV000183792.20), dbSNP rs138514571, ClinGen allele CA186503.